The following is an entry in ClinVar:

NM_015559.3(SETBP1):c.3559A>G (p.Ser1187Gly)

Gene: SETBP1 (SET binding protein 1; plus strand). Cytogenetic location: 18q12.3.
Variant type: single nucleotide variant.
Coding change: c.3559A>G on transcript NM_015559.3 (MANE Select); coding-DNA position 3559, A replaced by G.
Protein change: p.Ser1187Gly; replaces serine 1187 with glycine.
Molecular consequence: missense variant.
Genome position (GRCh38, 1-based): chr18:44,952,899, A>G. VCF-style: chr18-44952899-A-G. GRCh37 (hg19) VCF-style: chr18-42532864-A-G.
Other names: c.3559A>G, p.Ser1187Gly (NM_001379141.1, NM_001379142.1, NM_001410862.1); short protein forms S1187G.
Identifiers: ClinVar variation 3006456 (VCV003006456.3), dbSNP rs1206926669, ClinGen allele CA402324683.

ClinVar aggregate classification (germline): Uncertain significance (1 of 4 stars; one submission).

Allele frequency attached by ClinVar (database versions not stated): gnomAD 0.00001.
gnomAD v4.1: 1 of 1,614,082 alleles (0.000062%); highest among the groups gnomAD compares: Non-Finnish European, 0.000085%; no homozygotes.

Submission:

Labcorp Genetics (formerly Invitae), Labcorp
Classification: Uncertain significance. Last evaluated: 2024-02-15. Review status: criteria provided, single submitter. Criteria: Invitae Variant Classification Sherloc (09022015). Collection method: clinical testing. Allele origin: germline.
Comment: This sequence change replaces serine, which is neutral and polar, with glycine, which is neutral and non-polar, at codon 1187 of the SETBP1 protein (p.Ser1187Gly). This variant is present in population databases (no rsID available, gnomAD 0.007%). This variant has not been reported in the literature in individuals affected with SETBP1-related conditions. Advanced modeling of protein sequence and biophysical properties (such as structural, functional, and spatial information, amino acid conservation, physicochemical variation, residue mobility, and thermodynamic stability) performed at Invitae indicates that this missense variant is not expected to disrupt SETBP1 protein function with a negative predictive value of 80%. In summary, the available evidence is currently insufficient to determine the role of this variant in disease. Therefore, it has been classified as a Variant of Uncertain Significance.